The following is an entry in ClinVar:

NM_033337.3(CAV3):c.46G>A (p.Asp16Asn)

Gene: CAV3 (caveolin 3; plus strand). Cytogenetic location: 3p25.3.
Variant type: single nucleotide variant.
Coding change: c.46G>A on transcript NM_033337.3 (MANE Select); coding-DNA position 46, G replaced by A.
Protein change: p.Asp16Asn; replaces aspartic acid 16 with asparagine.
Molecular consequence: missense variant.
Genome position (GRCh38, 1-based): chr3:8,733,922, G>A. VCF-style: chr3-8733922-G-A. GRCh37 (hg19) VCF-style: chr3-8775608-G-A.
Other names: c.46G>A, p.Asp16Asn (NM_001234.5); c.46G>A (NM_033337.2); short protein forms D16N.
Identifiers: ClinVar variation 1428683 (VCV001428683.7), dbSNP rs1707652520, ClinGen allele CA351661324.

ClinVar aggregate classification (germline): Uncertain significance. Review status: criteria provided, multiple submitters, no conflicts (2 of 4 stars). 2 submissions from 2 submitters: Uncertain significance (2). Last evaluated 2025-01-20.

Conditions:
Cardiovascular phenotype. Identifiers: MedGen CN230736.
Long QT syndrome (LQTS). Identifiers: MedGen C0023976, MeSH D008133, MONDO:0002442. Disease mechanism: loss of function. Inheritance: Various modes of inheritance.

Allele frequency attached by ClinVar (database versions not stated): TOPMed below 0.00001.

Submissions (2):

Labcorp Genetics (formerly Invitae), Labcorp
Classification: Uncertain significance for Long QT syndrome. Last evaluated: 2025-01-20. Review status: criteria provided, single submitter. Criteria: Invitae Variant Classification Sherloc (09022015). Collection method: clinical testing. Allele origin: germline.
Comment: This sequence change replaces aspartic acid, which is acidic and polar, with asparagine, which is neutral and polar, at codon 16 of the CAV3 protein (p.Asp16Asn). This variant is not present in population databases (gnomAD no frequency). This variant has not been reported in the literature in individuals affected with CAV3-related conditions. ClinVar contains an entry for this variant (Variation ID: 1428683). An algorithm developed to predict the effect of missense changes on protein structure and function (PolyPhen-2) suggests that this variant is likely to be tolerated. In summary, the available evidence is currently insufficient to determine the role of this variant in disease. Therefore, it has been classified as a Variant of Uncertain Significance.

Ambry Genetics
Classification: Uncertain significance for Cardiovascular phenotype. Last evaluated: 2022-11-02. Review status: criteria provided, single submitter. Criteria: Ambry Variant Classification Scheme 2023. Collection method: clinical testing. Allele origin: germline.
Comment: The p.D16N variant (also known as c.46G>A), located in coding exon 1 of the CAV3 gene, results from a G to A substitution at nucleotide position 46. The aspartic acid at codon 16 is replaced by asparagine, an amino acid with highly similar properties. This amino acid position is conserved. In addition, the in silico prediction for this alteration is inconclusive. Since supporting evidence is limited at this time, the clinical significance of this alteration remains unclear.